The following is an entry in ClinVar:

NM_021942.6(TRAPPC11):c.1597C>T (p.Arg533Trp)

Gene: TRAPPC11 (trafficking protein particle complex subunit 11; plus strand). Cytogenetic location: 4q35.1.
Variant type: single nucleotide variant.
Coding change: c.1597C>T on transcript NM_021942.6 (MANE Select); coding-DNA position 1597, C replaced by T.
Protein change: p.Arg533Trp; replaces arginine 533 with tryptophan.
Molecular consequence: missense variant.
Genome position (GRCh38, 1-based): chr4:183,685,113, C>T. VCF-style: chr4-183685113-C-T. GRCh37 (hg19) VCF-style: chr4-184606266-C-T.
Other names: c.1597C>T, p.Arg533Trp (NM_199053.3); short protein forms R533W.
Identifiers: ClinVar variation 1439099 (VCV001439099.5), dbSNP rs775673359, ClinGen allele CA3151959.

ClinVar aggregate classification (germline): Uncertain significance (1 of 4 stars; one submission).

Conditions:
Autosomal recessive limb-girdle muscular dystrophy type R18 (LGMDR18). Also called: Limb-girdle muscular dystrophy, type 2S; MUSCULAR DYSTROPHY, LIMB-GIRDLE, AUTOSOMAL RECESSIVE 18; Autosomal recessive limb-girdle muscular dystrophy type 2S. Identifiers: Orphanet 369840, MedGen C4517996, MONDO:0014144, OMIM 615356.

Allele frequency attached by ClinVar (database versions not stated): ExAC 0.00001; gnomAD 0.00001.
gnomAD v4.1: 20 of 1,613,712 alleles (0.0012%); highest among the groups gnomAD compares: South Asian, 0.0055%; no homozygotes.

Submission:

Labcorp Genetics (formerly Invitae), Labcorp
Classification: Uncertain significance for Autosomal recessive limb-girdle muscular dystrophy type R18. Last evaluated: 2022-06-27. Review status: criteria provided, single submitter. Criteria: Invitae Variant Classification Sherloc (09022015). Collection method: clinical testing. Allele origin: germline.
Comment: This sequence change replaces arginine, which is basic and polar, with tryptophan, which is neutral and slightly polar, at codon 533 of the TRAPPC11 protein (p.Arg533Trp). This variant is present in population databases (rs775673359, gnomAD 0.01%). This variant has not been reported in the literature in individuals affected with TRAPPC11-related conditions. Algorithms developed to predict the effect of missense changes on protein structure and function are either unavailable or do not agree on the potential impact of this missense change (SIFT: "Tolerated"; PolyPhen-2: "Possibly Damaging"; Align-GVGD: "Class C0"). In summary, the available evidence is currently insufficient to determine the role of this variant in disease. Therefore, it has been classified as a Variant of Uncertain Significance.